The following is an entry in ClinVar:

ClinVar aggregate classification (germline): Likely benign. Review status: criteria provided, multiple submitters, no conflicts (2 of 4 stars). 4 submissions from 4 submitters: Likely benign (4). Last evaluated 2025-09-04.

Allele frequency attached by ClinVar (database versions not stated): 1000 Genomes Project 0.00020; 1000 Genomes Project 30x 0.00031; gnomAD exomes 0.00048; gnomAD 0.00111; TOPMed 0.00127.

Submissions (4):

Mayo Clinic Laboratories, Mayo Clinic
Classification: Likely benign. Last evaluated: 2025-09-04. Review status: criteria provided, single submitter. Criteria: ACMG Guidelines, 2015. Collection method: clinical testing. Allele origin: germline. Observed: 2 variant alleles.
Comment: BS1, BP4, BP7

Blueprint Genetics
Classification: Likely benign. Last evaluated: 2024-10-17. Review status: criteria provided, single submitter. Criteria: ACMG Guidelines, 2015. Collection method: clinical testing. Allele origin: germline.

CeGaT Center for Human Genetics Tuebingen
Classification: Likely benign. Last evaluated: 2021-04-01. Review status: criteria provided, single submitter. Criteria: CeGaT Center For Human Genetics Tuebingen Variant Classification Criteria Version 2. Collection method: clinical testing. Allele origin: germline. Affected: yes. Observed: 1 variant allele.

Breakthrough Genomics
Classification: Likely benign. Review status: criteria provided, single submitter. Criteria: ACMG Guidelines, 2015. Collection method: not provided. Allele origin: germline. Inheritance: Autosomal recessive inheritance. Affected: yes.

NM_001171.6(ABCC6):c.346-7C>T

Gene: ABCC6 (ATP binding cassette subfamily C member 6; minus strand). Cytogenetic location: 16p13.11.
Variant type: single nucleotide variant.
Coding change: c.346-7C>T on transcript NM_001171.6 (MANE Select); 7 bases into the intron before coding-DNA position 346, C replaced by T.
Molecular consequence: intron variant.
Genome position (GRCh38, 1-based): chr16:16,219,689, G>A on the plus strand (C>T on the coding strand, the complement: ABCC6 is on the minus strand). VCF-style: chr16-16219689-G-A. GRCh37 (hg19) VCF-style: chr16-16313546-G-A.
Other names: p.?; c.4-7C>T (NM_001351800.1); c.346-7C>T (NM_001171.5).
Identifiers: ClinVar variation 1176345 (VCV001176345.37), dbSNP rs528654660, ClinGen allele CA278671497.